The following is an entry in ClinVar:

NM_000455.5(STK11):c.270C>T (p.Asn90=)

Gene: STK11 (serine/threonine kinase 11; plus strand). Cytogenetic location: 19p13.3.
Variant type: single nucleotide variant.
Coding change: c.270C>T on transcript NM_000455.5 (MANE Select); coding-DNA position 270, C replaced by T.
Protein change: p.Asn90=; no amino-acid change (asparagine 90 retained).
Molecular consequence: synonymous variant.
Genome position (GRCh38, 1-based): chr19:1,207,183, C>T. VCF-style: chr19-1207183-C-T. GRCh37 (hg19) VCF-style: chr19-1207182-C-T.
Identifiers: ClinVar variation 527845 (VCV000527845.17), dbSNP rs1555735064, ClinGen allele CA504706334.

ClinVar aggregate classification (germline): Benign/Likely benign. Review status: criteria provided, multiple submitters, no conflicts (2 of 4 stars). 5 submissions from 5 submitters: Benign (1); Likely benign (4). Last evaluated 2025-12-03.

Conditions:
Hereditary cancer-predisposing syndrome. Also called: Neoplastic Syndromes, Hereditary; Tumor predisposition; Hereditary neoplastic syndrome; Hereditary Cancer Syndrome. Identifiers: Orphanet 140162, MedGen C0027672, MeSH D009386, MONDO:0015356.
Peutz-Jeghers syndrome (PJS). Also called: POLYPOSIS, HAMARTOMATOUS INTESTINAL; POLYPS-AND-SPOTS SYNDROME; Peutz-Jeghers polyposis; Periorificial lentiginosis syndrome. Identifiers: Orphanet 2869, MedGen C0031269, MeSH D010580, MONDO:0008280, OMIM 175200.

Allele frequency attached by ClinVar (database versions not stated): gnomAD exomes below 0.00001.
gnomAD v4.1: 1 of 1,607,692 alleles (0.000062%); highest among the groups gnomAD compares: Admixed American, 0.0017%; no homozygotes.

Submissions (5):

Labcorp Genetics (formerly Invitae), Labcorp
Classification: Likely benign for Peutz-Jeghers syndrome. Last evaluated: 2025-12-03. Review status: criteria provided, single submitter. Criteria: Invitae Variant Classification Sherloc (09022015). Collection method: clinical testing. Allele origin: germline.

Myriad Genetics, Inc.
Classification: Benign for Peutz-Jeghers syndrome. Last evaluated: 2025-03-25. Review status: criteria provided, single submitter. Criteria: Myriad Autosomal Dominant, Autosomal Recessive and X-Linked Classification Criteria (2023). Collection method: clinical testing. Allele origin: unknown.
Comment: This variant is considered benign. This variant is a silent/synonymous amino acid change and it is not expected to impact splicing.

All of Us Research Program, National Institutes of Health
Classification: Likely benign for Peutz-Jeghers syndrome. Last evaluated: 2024-04-25. Review status: criteria provided, single submitter. Criteria: ACMG Guidelines, 2015. Collection method: clinical testing. Allele origin: germline. Inheritance: Autosomal dominant inheritance. Observed: 1 variant allele, 1 heterozygote.
Comment: This study involves interpretation of variants in research participants for the purpose of population health screening. Participant phenotype was not available at the time of variant classification. Additional details can be found in publication PMID: 35346344, PMCID: PMC8962531

Ambry Genetics
Classification: Likely benign for Hereditary cancer-predisposing syndrome. Last evaluated: 2017-10-11. Review status: criteria provided, single submitter. Criteria: Ambry Variant Classification Scheme 2023. Collection method: clinical testing. Allele origin: germline.

Color Diagnostics, LLC DBA Color Health
Classification: Likely benign for Hereditary cancer-predisposing syndrome. Last evaluated: 2017-01-03. Review status: criteria provided, single submitter. Criteria: ACMG Guidelines, 2015. Collection method: clinical testing. Allele origin: germline.